The following is an entry in ClinVar:

NM_001378454.1(ALMS1):c.9920C>T (p.Ala3307Val)

Gene: ALMS1 (ALMS1 centrosome and basal body associated protein; plus strand). Cytogenetic location: 2p13.1.
Variant type: single nucleotide variant.
Coding change: c.9920C>T on transcript NM_001378454.1 (MANE Select); coding-DNA position 9920, C replaced by T.
Protein change: p.Ala3307Val; replaces alanine 3307 with valine.
Molecular consequence: missense variant.
Genome position (GRCh38, 1-based): chr2:73,550,279, C>T. VCF-style: chr2-73550279-C-T. GRCh37 (hg19) VCF-style: chr2-73777406-C-T.
Other names: c.9923C>T, p.Ala3308Val (NM_015120.4); short protein forms A3308V, A3307V.
Identifiers: ClinVar variation 3526758 (VCV003526758.1).

ClinVar aggregate classification (germline): Uncertain significance (1 of 4 stars; one submission).

Conditions:
Cardiovascular phenotype. Identifiers: MedGen CN230736.

gnomAD v4.1: 1 of 1,613,984 alleles (0.000062%); highest among the groups gnomAD compares: Non-Finnish European, 0.000085%; no homozygotes.

Submission:

Ambry Genetics
Classification: Uncertain significance for Cardiovascular phenotype. Last evaluated: 2024-07-25. Review status: criteria provided, single submitter. Criteria: Ambry Variant Classification Scheme 2023. Collection method: clinical testing. Allele origin: germline.
Comment: The p.A3308V variant (also known as c.9923C>T), located in coding exon 13 of the ALMS1 gene, results from a C to T substitution at nucleotide position 9923. The alanine at codon 3308 is replaced by valine, an amino acid with similar properties. This amino acid position is highly conserved in available vertebrate species. In addition, the in silico prediction for this alteration is inconclusive. Based on the available evidence, the clinical significance of this variant remains unclear.